The following is an entry in ClinVar:

NM_002408.4(MGAT2):c.850C>T (p.Pro284Ser)

Gene: MGAT2 (alpha-1,6-mannosyl-glycoprotein 2-beta-N-acetylglucosaminyltransferase; plus strand). Cytogenetic location: 14q21.3.
Variant type: single nucleotide variant.
Coding change: c.850C>T on transcript NM_002408.4 (MANE Select); coding-DNA position 850, C replaced by T.
Protein change: p.Pro284Ser; replaces proline 284 with serine.
Molecular consequence: missense variant.
Genome position (GRCh38, 1-based): chr14:49,622,118, C>T. VCF-style: chr14-49622118-C-T. GRCh37 (hg19) VCF-style: chr14-50088836-C-T.
Other names: short protein forms P284S.
Identifiers: ClinVar variation 648000 (VCV000648000.10), dbSNP rs201673817, ClinGen allele CA7172606.

ClinVar aggregate classification (germline): Uncertain significance (1 of 4 stars; one submission).

Conditions:
MGAT2-congenital disorder of glycosylation. Also called: MGAT2-CDG; CDG IIa; Congenital disorder of glycosylation, type IIa; MENTAL RETARDATION, GROWTH RETARDATION, PROMINENT COLUMELLA, AND OPEN MOUTH; Alkuraya syndrome. Identifiers: Orphanet 79329, MedGen C2931008, MONDO:0008908, OMIM 212066.

Allele frequency attached by ClinVar (database versions not stated): TOPMed 0.00004.
gnomAD v4.1: 74 of 1,614,050 alleles (0.0046%); highest among the groups gnomAD compares: Non-Finnish European, 0.0043%; no homozygotes.

Submission:

Labcorp Genetics (formerly Invitae), Labcorp
Classification: Uncertain significance for MGAT2-congenital disorder of glycosylation. Last evaluated: 2022-02-04. Review status: criteria provided, single submitter. Criteria: Invitae Variant Classification Sherloc (09022015). Collection method: clinical testing. Allele origin: germline.
Comment: Algorithms developed to predict the effect of missense changes on protein structure and function (SIFT, PolyPhen-2, Align-GVGD) all suggest that this variant is likely to be tolerated. ClinVar contains an entry for this variant (Variation ID: 648000). This variant has not been reported in the literature in individuals affected with MGAT2-related conditions. This variant is present in population databases (rs201673817, gnomAD 0.04%). This sequence change replaces proline, which is neutral and non-polar, with serine, which is neutral and polar, at codon 284 of the MGAT2 protein (p.Pro284Ser). In summary, the available evidence is currently insufficient to determine the role of this variant in disease. Therefore, it has been classified as a Variant of Uncertain Significance.